The following is an entry in ClinVar:

NM_012062.5(DNM1L):c.297+1G>A

Gene: DNM1L (dynamin 1 like; plus strand). Cytogenetic location: 12p11.21.
Variant type: single nucleotide variant.
Coding change: c.297+1G>A on transcript NM_012062.5 (MANE Select); the canonical splice donor site of the intron after coding-DNA position 297, G replaced by A.
Molecular consequence: splice donor variant.
Genome position (GRCh38, 1-based): chr12:32,707,414, G>A. VCF-style: chr12-32707414-G-A. GRCh37 (hg19) VCF-style: chr12-32860348-G-A.
Other names: c.336+1G>A (NM_001278464.2, NM_001278465.2, NM_001330380.2); c.131+1G>A (NM_001278466.2); c.297+1G>A (NM_001278463.2, NM_012063.4, NM_005690.5).
Identifiers: ClinVar variation 2811626 (VCV002811626.3), dbSNP rs2540998650, ClinGen allele CA384365870.

ClinVar aggregate classification (germline): Likely pathogenic (1 of 4 stars; one submission).

Allele frequency attached by ClinVar (database versions not stated): gnomAD exomes below 0.00001.
gnomAD v4.1: 1 of 1,598,986 alleles (0.000063%); highest among the groups gnomAD compares: Non-Finnish European, 0.000085%; no homozygotes.

Submission:

Labcorp Genetics (formerly Invitae), Labcorp
Classification: Likely pathogenic. Last evaluated: 2022-11-02. Review status: criteria provided, single submitter. Criteria: Invitae Variant Classification Sherloc (09022015). Collection method: clinical testing. Allele origin: germline.
Comment: In summary, the currently available evidence indicates that the variant is pathogenic, but additional data are needed to prove that conclusively. Therefore, this variant has been classified as Likely Pathogenic. Algorithms developed to predict the effect of sequence changes on RNA splicing suggest that this variant may disrupt the consensus splice site. This variant has not been reported in the literature in individuals affected with DNM1L-related conditions. This variant is not present in population databases (gnomAD no frequency). This sequence change affects a donor splice site in intron 3 of the DNM1L gene. It is expected to disrupt RNA splicing. Variants that disrupt the donor or acceptor splice site typically lead to a loss of protein function (PMID: 16199547), and loss-of-function variants in DNM1L are known to be pathogenic (PMID: 26825290, 27328748).

Literature cited by the submitters: PubMed 16199547; PubMed 26825290; PubMed 27328748.